The following is an entry in ClinVar:

NM_020937.4(FANCM):c.5340delinsTGGAATCACT (p.Lys1780delinsAsnGlyIleThr)

Gene: FANCM (FA complementation group M; plus strand). Cytogenetic location: 14q21.2.
Variant type: Indel.
Coding change: c.5340delinsTGGAATCACT on transcript NM_020937.4 (MANE Select); coding-DNA position 5340, G replaced by TGGAATCACT.
Protein change: p.Lys1780delinsAsnGlyIleThr.
Molecular consequence: inframe indel.
Genome position (GRCh38, 1-based): chr14:45,189,362, G replaced by TGGAATCACT. VCF-style: chr14-45189362-G-TGGAATCACT. GRCh37 (hg19) VCF-style: chr14-45658565-G-TGGAATCACT.
Other names: c.5262delinsTGGAATCACT, p.Lys1754delinsAsnGlyIleThr (NM_001308133.2); c.5340delinsTGGAATCACT (NM_020937.3).
Identifiers: ClinVar variation 969140 (VCV000969140.7), dbSNP rs1889624694, ClinGen allele CA1139663469.

ClinVar aggregate classification (germline): Uncertain significance. Review status: criteria provided, multiple submitters, no conflicts (2 of 4 stars). 2 submissions from 2 submitters: Uncertain significance (2). Last evaluated 2024-12-10.

Conditions:
Fanconi anemia (FA). Also called: Fanconi's anemia. Identifiers: Orphanet 84, MedGen C0015625, MeSH D005199, MONDO:0019391.

Submissions (2):

Labcorp Genetics (formerly Invitae), Labcorp
Classification: Uncertain significance for Fanconi anemia. Last evaluated: 2024-12-10. Review status: criteria provided, single submitter. Criteria: Invitae Variant Classification Sherloc (09022015). Collection method: clinical testing. Allele origin: germline.
Comment: This variant, c.5340delinsTGGAATCACT , is a complex sequence change that results in the deletion of 1 and insertion of 4 amino acid(s) in the FANCM protein (p.Lys1780delinsAsnGlyIleThr). This variant also falls at the last nucleotide of exon 20, which is part of the consensus splice site for this exon. This variant is not present in population databases (gnomAD no frequency). This variant has been observed in individual(s) with breast cancer (PMID: 35802266). Variants that disrupt the consensus splice site are a relatively common cause of aberrant splicing (PMID: 17576681, 9536098). In summary, the available evidence is currently insufficient to determine the role of this variant in disease. Therefore, it has been classified as a Variant of Uncertain Significance.

Quest Diagnostics Nichols Institute San Juan Capistrano
Classification: Uncertain significance. Last evaluated: 2024-07-03. Review status: criteria provided, single submitter. Criteria: Quest Diagnostics criteria. Collection method: clinical testing. Allele origin: unknown.
Comment: The FANCM c.5340delinsTGGAATCACT (p.Lys1780delinsAsnGlyIleThr) variant has not been reported in individuals with FANCM-related conditions in the published literature. It also has not been reported in large, multi-ethnic general populations (Genome Aggregation Database). Analysis of this variant using software algorithms for the prediction of the effect of nucleotide changes on splicing yielded predictions that this variant may affect proper FANCM mRNA splicing. Based on the available information, we are unable to determine the clinical significance of this variant.

Literature cited by the submitters: PubMed 35802266 (cited by Labcorp Genetics (formerly Invitae), Labcorp); PubMed 17576681 (cited by Labcorp Genetics (formerly Invitae), Labcorp); PubMed 9536098 (cited by Labcorp Genetics (formerly Invitae), Labcorp).